The following is an entry in ClinVar:

NM_006565.4(CTCF):c.1439A>G (p.Tyr480Cys)

Gene: CTCF (CCCTC-binding factor; plus strand). Cytogenetic location: 16q22.1.
Variant type: single nucleotide variant.
Coding change: c.1439A>G on transcript NM_006565.4 (MANE Select); coding-DNA position 1439, A replaced by G.
Protein change: p.Tyr480Cys; replaces tyrosine 480 with cysteine.
Molecular consequence: missense variant.
Genome position (GRCh38, 1-based): chr16:67,626,636, A>G. VCF-style: chr16-67626636-A-G. GRCh37 (hg19) VCF-style: chr16-67660539-A-G.
Other names: c.455A>G, p.Tyr152Cys (NM_001191022.2); c.1439A>G, p.Tyr480Cys (NM_001363916.2, NM_001438968.1, NM_001438969.1); short protein forms Y152C, Y480C.
Identifiers: ClinVar variation 4823396 (VCV004823396.4).
Genomic context (GRCh38, chr16:67,626,636, plus strand): 5'-ATTCCTATATTGAGCAAGGCAAGAAATGCCGTTACTGTGATGCTGTGTTTCATGAGCGCT[A>G]TGCCCTCATCCAGCATCAGAAGTCACACAAGAATGAGAAGCGCTTTAAGTGTGACCAGTG-3'
Protein context (NP_006556.1, residues 470-490): RYCDAVFHER[Tyr480Cys]ALIQHQKSHK

ClinVar aggregate classification (germline): Uncertain significance (1 of 4 stars; one submission).

Submission:

CeGaT Center for Human Genetics Tuebingen
Classification: Uncertain significance. Last evaluated: 2026-02-01. Review status: criteria provided, single submitter. Criteria: CeGaT Center For Human Genetics Tuebingen Variant Classification Criteria Version 2. Collection method: clinical testing. Allele origin: germline. Affected: yes. Observed: 1 variant allele.
Comment: CTCF: PM2, PP2